The following is an entry in ClinVar:

ClinVar aggregate classification (germline): Uncertain significance (1 of 4 stars; one submission).

Submission:

GeneDx
Classification: Uncertain significance. Last evaluated: 2023-06-07. Review status: criteria provided, single submitter. Criteria: GeneDx Variant Classification Process June 2021. Collection method: clinical testing. Allele origin: germline. Affected: yes.
Comment: Not observed at significant frequency in large population cohorts (gnomAD); In silico analysis supports that this missense variant has a deleterious effect on protein structure/function; Has not been previously published as pathogenic or benign to our knowledge

NM_001904.4(CTNNB1):c.430G>C (p.Asp144His)

Genes: CTNNB1 (catenin beta 1; plus strand), LOC126806658 (BRD4-independent group 4 enhancer GRCh37_chr3:41265899-41267098; plus strand). Cytogenetic location: 3p22.1.
Variant type: single nucleotide variant.
Coding change: c.430G>C on transcript NM_001904.4 (MANE Select); coding-DNA position 430, G replaced by C.
Protein change: p.Asp144His; replaces aspartic acid 144 with histidine.
Molecular consequence: missense variant.
Genome position (GRCh38, 1-based): chr3:41,225,142, G>C. VCF-style: chr3-41225142-G-C. GRCh37 (hg19) VCF-style: chr3-41266633-G-C.
Other names: c.430G>C, p.Asp144His (NM_001098209.2, NM_001098210.2); c.409G>C, p.Asp137His (NM_001330729.2); short protein forms D137H, D144H.
Identifiers: ClinVar variation 3359659 (VCV003359659.1).